The following is an entry in ClinVar:

ClinVar aggregate classification (germline): Pathogenic/Likely pathogenic. Review status: criteria provided, multiple submitters, no conflicts (2 of 4 stars). 4 submissions from 4 submitters: Pathogenic (3); Likely pathogenic (1). Last evaluated 2024-10-28.

Conditions:
Houge-Janssens syndrome 1. Also called: INTELLECTUAL DEVELOPMENTAL DISORDER, AUTOSOMAL DOMINANT 35; Intellectual disability-macrocephaly-hypotonia-behavioral abnormalities syndrome; Hogue-Janssens syndrome 1; PPP2R5D-Related Neurodevelopmental Disorder. Identifiers: Orphanet 457279, MedGen C5779996, MONDO:0014602, OMIM 616355.

Submissions (4):

Laboratorio de Genetica e Diagnostico Molecular, Hospital Israelita Albert Einstein
Classification: Likely pathogenic for Houge-Janssens syndrome 1. Last evaluated: 2024-10-28. Review status: criteria provided, single submitter. Criteria: ACMG Guidelines, 2015. Collection method: clinical testing. Allele origin: germline. Affected: yes.
Comment: ACMG classification criteria: PS4 supporting, PM2 supporting, PM1, PM5, PM6, PP3

Labcorp Genetics (formerly Invitae), Labcorp
Classification: Pathogenic. Last evaluated: 2024-10-14. Review status: criteria provided, single submitter. Criteria: Invitae Variant Classification Sherloc (09022015). Collection method: clinical testing. Allele origin: germline.
Comment: This sequence change replaces aspartic acid, which is acidic and polar, with histidine, which is basic and polar, at codon 251 of the PPP2R5D protein (p.Asp251His). This variant is not present in population databases (gnomAD no frequency). This missense change has been observed in individual(s) with PPP2R5D-related conditions (PMID: 36216457; internal data). In at least one individual the variant was observed to be de novo. ClinVar contains an entry for this variant (Variation ID: 984892). An algorithm developed to predict the effect of missense changes on protein structure and function (PolyPhen-2) suggests that this variant is likely to be disruptive. Experimental studies have shown that this missense change affects PPP2R5D function (PMID: 36216457). This variant disrupts the p.Asp251 amino acid residue in PPP2R5D. Other variant(s) that disrupt this residue have been determined to be pathogenic (PMID: 28867141, 32371413; internal data). This suggests that this residue is clinically significant, and that variants that disrupt this residue are likely to be disease-causing. For these reasons, this variant has been classified as Pathogenic.

GeneDx
Classification: Pathogenic. Last evaluated: 2024-07-02. Review status: criteria provided, single submitter. Criteria: GeneDx Variant Classification Process June 2021. Collection method: clinical testing. Allele origin: germline. Affected: yes.
Comment: Not observed at significant frequency in large population cohorts (gnomAD); Published functional studies demonstrate a severe impacts on the ability of PPP2R5D to bind other enzyme subunits and a moderate impairment on substrate binding (PMID: 36216457); In silico analysis supports that this missense variant has a deleterious effect on protein structure/function; This variant is associated with the following publications: (PMID: 36216457)

Center for Molecular Medicine, Children’s Hospital of Fudan University
Classification: Pathogenic for Houge-Janssens syndrome 1. Last evaluated: 2023-09-26. Review status: criteria provided, single submitter. Criteria: ACMG Guidelines, 2015. Collection method: clinical testing. Allele origin: unknown. Affected: yes.

Literature cited by the submitters: PubMed 36216457 (cited by Labcorp Genetics (formerly Invitae), Labcorp); PubMed 28867141 (cited by Labcorp Genetics (formerly Invitae), Labcorp); PubMed 32371413 (cited by Labcorp Genetics (formerly Invitae), Labcorp).

NM_006245.4(PPP2R5D):c.751G>C (p.Asp251His)

Gene: PPP2R5D (protein phosphatase 2 regulatory subunit B'delta; plus strand). Cytogenetic location: 6p21.1.
Variant type: single nucleotide variant.
Coding change: c.751G>C on transcript NM_006245.4 (MANE Select); coding-DNA position 751, G replaced by C.
Protein change: p.Asp251His; replaces aspartic acid 251 with histidine.
Molecular consequence: missense variant.
Genome position (GRCh38, 1-based): chr6:43,007,959, G>C. VCF-style: chr6-43007959-G-C. GRCh37 (hg19) VCF-style: chr6-42975697-G-C.
Other names: c.298G>C, p.Asp100His (NM_001270476.2); c.655G>C, p.Asp219His (NM_180976.3); c.433G>C, p.Asp145His (NM_180977.3); short protein forms D100H, D145H, D219H, D251H.
Identifiers: ClinVar variation 984892 (VCV000984892.12), dbSNP rs1762178916, ClinGen allele CA364189036.